The following is an entry in ClinVar:

NM_006662.3(SRCAP):c.6045G>T (p.Trp2015Cys)

Gene: SRCAP (Snf2 related CREBBP activator protein; plus strand). Cytogenetic location: 16p11.2.
Variant type: single nucleotide variant.
Coding change: c.6045G>T on transcript NM_006662.3 (MANE Select); coding-DNA position 6045, G replaced by T.
Protein change: p.Trp2015Cys; replaces tryptophan 2015 with cysteine.
Molecular consequence: missense variant.
Genome position (GRCh38, 1-based): chr16:30,729,490, G>T. VCF-style: chr16-30729490-G-T. GRCh37 (hg19) VCF-style: chr16-30740811-G-T.
Other names: short protein forms W2015C.
Identifiers: ClinVar variation 2857426 (VCV002857426.3), dbSNP rs2506699123, ClinGen allele CA395622287.

ClinVar aggregate classification (germline): Uncertain significance (1 of 4 stars; one submission).

Submission:

Labcorp Genetics (formerly Invitae), Labcorp
Classification: Uncertain significance. Last evaluated: 2023-04-18. Review status: criteria provided, single submitter. Criteria: Invitae Variant Classification Sherloc (09022015). Collection method: clinical testing. Allele origin: germline.
Comment: In summary, the available evidence is currently insufficient to determine the role of this variant in disease. Therefore, it has been classified as a Variant of Uncertain Significance. Advanced modeling of protein sequence and biophysical properties (such as structural, functional, and spatial information, amino acid conservation, physicochemical variation, residue mobility, and thermodynamic stability) performed at Invitae indicates that this missense variant is not expected to disrupt SRCAP protein function. This variant has not been reported in the literature in individuals affected with SRCAP-related conditions. This variant is not present in population databases (gnomAD no frequency). This sequence change replaces tryptophan, which is neutral and slightly polar, with cysteine, which is neutral and slightly polar, at codon 2015 of the SRCAP protein (p.Trp2015Cys).